The following is an entry in ClinVar:

NM_004700.4(KCNQ4):c.1668C>G (p.Tyr556Ter)

Gene: KCNQ4 (potassium voltage-gated channel subfamily Q member 4; plus strand). Cytogenetic location: 1p34.2.
Variant type: single nucleotide variant.
Coding change: c.1668C>G on transcript NM_004700.4 (MANE Select); coding-DNA position 1668, C replaced by G.
Protein change: p.Tyr556Ter; replaces tyrosine 556 with a stop codon.
Molecular consequence: nonsense.
Genome position (GRCh38, 1-based): chr1:40,835,021, C>G. VCF-style: chr1-40835021-C-G. GRCh37 (hg19) VCF-style: chr1-41300693-C-G.
Other names: c.1506C>G, p.Tyr502Ter (NM_172163.3); short protein forms Y502*, Y556*.
Identifiers: ClinVar variation 3383191 (VCV003383191.3).

ClinVar aggregate classification (germline): Likely pathogenic (1 of 4 stars; one submission).

Conditions:
Autosomal dominant nonsyndromic hearing loss 2A. Also called: DFNA2 Nonsyndromic Hearing Loss; Deafness, autosomal dominant 2A; Autosomal dominant nonsyndromic deafness 2A. Identifiers: Orphanet 90635, MedGen C2677637, MONDO:0010817, OMIM 600101.

Submission:

Juno Genomics, Hangzhou Juno Genomics, Inc
Classification: Likely pathogenic for Autosomal dominant nonsyndromic hearing loss 2A. Review status: criteria provided, single submitter. Criteria: ACMG Guidelines, 2015. Collection method: clinical testing. Allele origin: germline.
Comment: Null variant in a gene where loss of function (LOF) is a known mechanism of disease.